The following is an entry in ClinVar:

ClinVar aggregate classification (germline): Uncertain significance (1 of 4 stars; one submission).

Conditions:
Cardiomyopathy (CMYO). Also called: Cardiomyopathies. Identifiers: Orphanet 167848, MedGen C0878544, MONDO:0004994, HP:0001638. Inheritance: Various modes of inheritance.

Allele frequency attached by ClinVar (database versions not stated): gnomAD exomes below 0.00001.
gnomAD v4.1: 1 of 1,614,086 alleles (0.000062%); no homozygotes.

Submission:

Color Diagnostics, LLC DBA Color Health
Classification: Uncertain significance for Cardiomyopathy. Last evaluated: 2023-12-05. Review status: criteria provided, single submitter. Criteria: ACMG Guidelines, 2015. Collection method: clinical testing. Allele origin: germline.
Comment: Variant of Uncertain Significance due to insufficient evidence: This missense variant is located in the armadillo repeat 2 of the PKP2 protein. Computational prediction tools and conservation analyses suggest that this variant may have deleterious impact on the protein function. Computational splicing tools suggest that this variant may not impact RNA splicing. To our knowledge, functional assays have not been performed for this variant nor has this variant been reported in individuals affected with cardiovascular disorders in the literature. This variant is rare in the general population and has been identified in 0/277264 chromosomes by the Genome Aggregation Database (gnomAD). Available evidence is insufficient to determine the pathogenicity of this variant conclusively.

NM_001005242.3(PKP2):c.1249G>A (p.Gly417Arg)

Gene: PKP2 (plakophilin 2; minus strand). Cytogenetic location: 12p11.21.
Variant type: single nucleotide variant.
Coding change: c.1249G>A on transcript NM_001005242.3 (MANE Select); coding-DNA position 1249, G replaced by A.
Protein change: p.Gly417Arg; replaces glycine 417 with arginine.
Molecular consequence: missense variant.
Genome position (GRCh38, 1-based): chr12:32,850,895, C>T on the plus strand (G>A on the coding strand, the complement: PKP2 is on the minus strand). VCF-style: chr12-32850895-C-T. GRCh37 (hg19) VCF-style: chr12-33003829-C-T.
Other names: c.1249G>A, p.Gly417Arg (NM_004572.4); short protein forms G417R.
Identifiers: ClinVar variation 922167 (VCV000922167.5), dbSNP rs1956690284, ClinGen allele CA384370515.